The following is an entry in ClinVar:

ClinVar aggregate classification (germline): Likely benign. Review status: criteria provided, multiple submitters, no conflicts (2 of 4 stars). 2 submissions from 2 submitters: Likely benign (2). Last evaluated 2026-04-30.

Conditions:
DNMT1-related disorder. Also called: DNMT1-related condition. Identifiers: MedGen CN381527.
Hereditary sensory neuropathy-deafness-dementia syndrome. Also called: Hereditary sensory neuropathy type IE; HSN IE; NEUROPATHY, HEREDITARY SENSORY, WITH HEARING LOSS AND DEMENTIA; Hereditary Sensory and Autonomic Neuropathy Type 1E (HSAN1E). Identifiers: Orphanet 456318, MedGen C3279885, MONDO:0013584, OMIM 614116.

Submissions (2):

PreventionGenetics, part of Exact Sciences
Classification: Likely benign for DNMT1-related condition. Last evaluated: 2026-04-30. Review status: criteria provided, single submitter. Criteria: ACMG Guidelines, 2015. Collection method: clinical testing. Allele origin: germline.
Comment: This variant is classified as likely benign based on ACMG/AMP sequence variant interpretation guidelines (Richards et al. 2015 PMID: 25741868, with internal and published modifications).

Labcorp Genetics (formerly Invitae), Labcorp
Classification: Likely benign for Hereditary sensory neuropathy-deafness-dementia syndrome. Last evaluated: 2023-07-19. Review status: criteria provided, single submitter. Criteria: Invitae Variant Classification Sherloc (09022015). Collection method: clinical testing. Allele origin: germline.

NM_001130823.3(DNMT1):c.3949-12_3949-10del

Gene: DNMT1 (DNA methyltransferase 1; minus strand). Cytogenetic location: 19p13.2.
Variant type: Deletion.
Coding change: c.3949-12_3949-10del on transcript NM_001130823.3 (MANE Select); 12 bases into the intron before coding-DNA position 3949 through 10 bases into the intron before coding-DNA position 3949, 3 bases deleted (TCT; older notation c.3949-12_3949-10delTCT).
Molecular consequence: intron variant.
Genome position (GRCh38, 1-based): chr19:10,138,615-10,138,617, AGA deleted on the plus strand (TCT on the coding strand, the reverse complement: DNMT1 is on the minus strand); deleting any 3 consecutive bases within chr19:10,138,615-10,138,619 gives the same sequence; the c. name uses the placement nearest the transcript's 3' end. VCF-style (leftmost placement, unchanged base first): chr19-10138614-GAGA-G. GRCh37 (hg19) VCF-style: chr19-10249290-GAGA-G.
Other names: c.3949-12_3949-10delTCT (NM_001130823.2); c.3586-12_3586-10del (NM_001318731.2); c.3901-12_3901-10del (NM_001379.4, NM_001318730.2).
Identifiers: ClinVar variation 2057586 (VCV002057586.5), dbSNP rs1568221502, ClinGen allele CA631709484.